The following is an entry in ClinVar:

NM_012210.4(TRIM32):c.381C>G (p.Asp127Glu)

Genes: ASTN2 (astrotactin 2; minus strand), TRIM32 (tripartite motif containing 32; plus strand). Cytogenetic location: 9q33.1.
Variant type: single nucleotide variant.
Coding change: c.381C>G on transcript NM_012210.4 (MANE Select); coding-DNA position 381, C replaced by G.
Protein change: p.Asp127Glu; replaces aspartic acid 127 with glutamic acid.
Molecular consequence: missense variant. On other transcripts: intron variant (3).
Genome position (GRCh38, 1-based): chr9:116,698,123, C>G. VCF-style: chr9-116698123-C-G. GRCh37 (hg19) VCF-style: chr9-119460402-C-G.
Other names: c.2653+27648G>C (NM_014010.5); c.2794+27648G>C (NM_001365069.1); c.2806+27648G>C (NM_001365068.1); c.381C>G, p.Asp127Glu (NM_001099679.2, NM_001379048.1, NM_001379049.1 and 1 more transcripts); short protein forms D127E.
Identifiers: ClinVar variation 2083182 (VCV002083182.7), dbSNP rs2491059086, ClinGen allele CA374648313.

ClinVar aggregate classification (germline): Uncertain significance. Review status: criteria provided, multiple submitters, no conflicts (2 of 4 stars). 5 submissions from 5 submitters: Uncertain significance (4). 1 of the submissions does not count toward it. Last evaluated 2025-08-08.

Conditions:
Sarcotubular myopathy (LGMDR8). Also called: Hutterite type of muscular dystrophy; Autosomal recessive limb-girdle muscular dystrophy type 2H; Limb-girdle muscular dystrophy, type 2H; MUSCULAR DYSTROPHY, LIMB-GIRDLE, AUTOSOMAL RECESSIVE 8. Identifiers: Orphanet 1878, MedGen C0270968, MONDO:0009683, OMIM 254110.
Bardet-Biedl syndrome 11 (BBS11). Identifiers: Orphanet 110, MedGen C1859569, MONDO:0014439, OMIM 615988.
TRIM32-related disorder. Also called: TRIM32-related condition.
Inborn genetic diseases. Identifiers: MedGen C0950123, MeSH D030342.
Bardet-Biedl syndrome (BBS). Identifiers: Orphanet 110, MedGen C0752166, MONDO:0015229.

Submissions (5):

Ambry Genetics
Classification: Uncertain significance for Inborn genetic diseases. Last evaluated: 2025-08-08. Review status: criteria provided, single submitter. Criteria: Ambry Variant Classification Scheme 2023. Collection method: clinical testing. Allele origin: germline.

Fulgent Genetics
Classification: Uncertain significance for Sarcotubular myopathy; Bardet-Biedl syndrome 11. Last evaluated: 2024-06-10. Review status: criteria provided, single submitter. Criteria: ACMG Guidelines, 2015. Collection method: clinical testing. Allele origin: germline.

Labcorp Genetics (formerly Invitae), Labcorp
Classification: Uncertain significance for Bardet-Biedl syndrome. Last evaluated: 2022-04-02. Review status: criteria provided, single submitter. Criteria: Invitae Variant Classification Sherloc (09022015). Collection method: clinical testing. Allele origin: germline.
Comment: This sequence change replaces aspartic acid, which is acidic and polar, with glutamic acid, which is acidic and polar, at codon 127 of the TRIM32 protein (p.Asp127Glu). This variant is not present in population databases (gnomAD no frequency). This variant has not been reported in the literature in individuals affected with TRIM32-related conditions. Algorithms developed to predict the effect of missense changes on protein structure and function output the following: SIFT: "Tolerated"; PolyPhen-2: "Benign"; Align-GVGD: "Class C0". The glutamic acid amino acid residue is found in multiple mammalian species, which suggests that this missense change does not adversely affect protein function. In summary, the available evidence is currently insufficient to determine the role of this variant in disease. Therefore, it has been classified as a Variant of Uncertain Significance.

Revvity Omics, Revvity
Classification: Uncertain significance. Last evaluated: 2019-12-09. Review status: criteria provided, single submitter. Criteria: ACMG Guidelines, 2015. Collection method: clinical testing. Allele origin: germline.

PreventionGenetics, part of Exact Sciences
Classification: Uncertain significance for TRIM32-related condition. Last evaluated: 2024-05-22. Review status: no assertion criteria provided. Collection method: clinical testing. Allele origin: germline. Not counted in ClinVar's aggregate classification.
Comment: The TRIM32 c.381C>G variant is predicted to result in the amino acid substitution p.Asp127Glu. To our knowledge, this variant has not been reported in the literature or in gnomAD, indicating this variant is rare. At this time, the clinical significance of this variant is uncertain due to the absence of conclusive functional and genetic evidence.